The following is an entry in ClinVar:

NM_015450.3(POT1):c.1594+2T>C

Gene: POT1 (protection of telomeres 1; minus strand). Cytogenetic location: 7q31.33.
Variant type: single nucleotide variant.
Coding change: c.1594+2T>C on transcript NM_015450.3 (MANE Select); the canonical splice donor site of the intron after coding-DNA position 1594, T replaced by C.
Molecular consequence: splice donor variant.
Genome position (GRCh38, 1-based): chr7:124,829,252, A>G on the plus strand (T>C on the coding strand, the complement: POT1 is on the minus strand). VCF-style: chr7-124829252-A-G. GRCh37 (hg19) VCF-style: chr7-124469306-A-G.
Other names: c.1201+2T>C (NM_001042594.2).
Identifiers: ClinVar variation 2035331 (VCV002035331.4), dbSNP rs2485352293, ClinGen allele CA369064242.

ClinVar aggregate classification (germline): Likely pathogenic (1 of 4 stars; one submission).

Conditions:
Tumor predisposition syndrome 3 (TPDS3). Also called: Melanoma, cutaneous malignant, susceptibility to, 10; Glioma susceptibility 9; LONG TELOMERE SYNDROME, POT1-RELATED; POT1 Tumor Predisposition. Identifiers: Orphanet 618, MedGen C4014476, MONDO:0014368, OMIM 615848.

Submission:

Labcorp Genetics (formerly Invitae), Labcorp
Classification: Likely pathogenic for Tumor predisposition syndrome 3. Last evaluated: 2022-10-13. Review status: criteria provided, single submitter. Criteria: Invitae Variant Classification Sherloc (09022015). Collection method: clinical testing. Allele origin: germline.
Comment: In summary, the currently available evidence indicates that the variant is pathogenic, but additional data are needed to prove that conclusively. Therefore, this variant has been classified as Likely Pathogenic. Algorithms developed to predict the effect of sequence changes on RNA splicing suggest that this variant may disrupt the consensus splice site. This variant has not been reported in the literature in individuals affected with POT1-related conditions. This variant is not present in population databases (gnomAD no frequency). This sequence change affects a donor splice site in intron 16 of the POT1 gene. It is expected to disrupt RNA splicing. Variants that disrupt the donor or acceptor splice site typically lead to a loss of protein function (PMID: 16199547), and loss-of-function variants in POT1 are known to be pathogenic (PMID: 32155570).

Literature cited by the submitters: PubMed 16199547; PubMed 32155570.